The following is an entry in ClinVar:

NM_001244008.2(KIF1A):c.920G>C (p.Arg307Pro)

Gene: KIF1A (kinesin family member 1A; minus strand). Cytogenetic location: 2q37.3.
Variant type: single nucleotide variant.
Coding change: c.920G>C on transcript NM_001244008.2 (MANE Select); coding-DNA position 920, G replaced by C.
Protein change: p.Arg307Pro; replaces arginine 307 with proline.
Molecular consequence: missense variant.
Genome position (GRCh38, 1-based): chr2:240,775,889, C>G on the plus strand (G>C on the coding strand, the complement: KIF1A is on the minus strand). VCF-style: chr2-240775889-C-G. GRCh37 (hg19) VCF-style: chr2-241715306-C-G.
Other names: c.920G>C, p.Arg307Pro (NM_001320705.2, NM_001330289.2, NM_001330290.2 and 20 more transcripts); short protein forms R307P.
Identifiers: ClinVar variation 869126 (VCV000869126.2), dbSNP rs1064793161, ClinGen allele CA351297756.
Genomic context (GRCh38, chr2:240,775,889, plus strand): 5'-AGGCAAACCCACAAGTTCTCACCCAGGTTTTCCCGGAGGAGCCAGGTCAACACGGAATCT[C>G]GGTACGGAATGAAATCTGTCTTCTTCTTTTTCTTGTTCTGTGGGGGAGGAACATTCAAGG-3'
Protein context (NP_001230937.1, residues 297-317): KKKKTDFIPY[Arg307Pro]DSVLTWLLRE

ClinVar aggregate classification (germline): Likely pathogenic. Review status: criteria provided, single submitter (1 of 4 stars). 2 submissions from 2 submitters: Likely pathogenic (1). 1 of the submissions does not count toward it. Last evaluated 2020-06-15.

Conditions:
Intellectual disability, autosomal dominant 9 (NESCAVS). Also called: NESCAV SYNDROME; KIF1A-Related Neurodevelopmental Disorder. Identifiers: Orphanet 662367, MedGen C5393830, MONDO:0013656, OMIM 614255.

Submissions (2):

SIB Swiss Institute of Bioinformatics
Classification: Likely pathogenic for Intellectual disability, autosomal dominant 9. Last evaluated: 2020-06-15. Review status: criteria provided, single submitter. Criteria: ACMG Guidelines, 2015. Collection method: curation. Allele origin: unknown.
Comment: This variant is interpreted as likely pathogenic for NESCAV syndrome, autosomal dominant. The following ACMG Tag(s) were applied: Absent from controls (or at extremely low frequency if recessive) in Exome Sequencing Project, 1000 Genomes Project, or Exome Aggregation Consortium (PM2); Multiple lines of computational evidence support a deleterious effect on the gene or gene product (PP3); Missense variant in a gene that has a low rate of benign missense variation and in which missense variants are a common mechanism of disease (PP2); Assumed de novo, but no confirmation of paternity and maternity (PM6); Novel missense change at an amino acid residue where a different missense change determined to be pathogenic has been seen before (PM5).

OMIM
Classification: Pathogenic for NESCAV SYNDROME. Last evaluated: 2020-04-16. Review status: no assertion criteria provided. Collection method: literature only. Allele origin: germline. Not counted in ClinVar's aggregate classification.

Literature cited by the submitters: PubMed 32096284 (cited by SIB Swiss Institute of Bioinformatics and OMIM).